The following is an entry in ClinVar:

ClinVar aggregate classification (germline): Uncertain significance (1 of 4 stars; one submission).

Submission:

Labcorp Genetics (formerly Invitae), Labcorp
Classification: Uncertain significance. Last evaluated: 2024-12-17. Review status: criteria provided, single submitter. Criteria: Invitae Variant Classification Sherloc (09022015). Collection method: clinical testing. Allele origin: germline.
Comment: This sequence change replaces glycine, which is neutral and non-polar, with valine, which is neutral and non-polar, at codon 118 of the TNFRSF6B protein (p.Gly118Val). This variant is not present in population databases (gnomAD no frequency). This variant has not been reported in the literature in individuals affected with TNFRSF6B-related conditions. ClinVar contains an entry for this variant (Variation ID: 2808228). An algorithm developed to predict the effect of missense changes on protein structure and function (PolyPhen-2) suggests that this variant is likely to be disruptive. In summary, the available evidence is currently insufficient to determine the role of this variant in disease. Therefore, it has been classified as a Variant of Uncertain Significance.

NM_003823.4(TNFRSF6B):c.353G>T (p.Gly118Val)

Genes: RTEL1-TNFRSF6B (RTEL1-TNFRSF6B readthrough (NMD candidate); plus strand), TNFRSF6B (TNF receptor superfamily member 6b; plus strand). Cytogenetic location: 20q13.33.
Variant type: single nucleotide variant.
Coding change: c.353G>T on transcript NM_003823.4 (MANE Select); coding-DNA position 353, G replaced by T.
Protein change: p.Gly118Val; replaces glycine 118 with valine.
Molecular consequence: missense variant. On other transcripts: non-coding transcript variant (1).
Genome position (GRCh38, 1-based): chr20:63,697,120, G>T. VCF-style: chr20-63697120-G-T. GRCh37 (hg19) VCF-style: chr20-62328473-G-T.
Other names: short protein forms G118V.
Identifiers: ClinVar variation 2808228 (VCV002808228.3), dbSNP rs2517216931, ClinGen allele CA409711266.